The following is an entry in ClinVar:

ClinVar aggregate classification (germline): Benign. Review status: criteria provided, multiple submitters, no conflicts (2 of 4 stars). 4 submissions from 4 submitters: Benign (4). Last evaluated 2026-01-19.

Conditions:
Cataract 23 (CTRCT23). Also called: Cataract 23, multiple types; CATARACT 23, LAMELLAR. Identifiers: Orphanet 91492, MedGen C3808012, MONDO:0012489, OMIM 610425.

Allele frequency attached by ClinVar (database versions not stated): gnomAD exomes 0.04666 and 0.06051; ESP Exome Variant Server 0.05428; TOPMed 0.05764; ExAC 0.05933; gnomAD 0.06378 and 0.06447; 1000 Genomes Project 30x 0.07277; 1000 Genomes Project 0.07408.
gnomAD v4.1: 78,791 of 1,613,254 alleles (4.9%); highest among the groups gnomAD compares: Middle Eastern, 11%; 2,420 homozygotes.

Submissions (4):

Labcorp Genetics (formerly Invitae), Labcorp
Classification: Benign for Cataract 23. Last evaluated: 2026-01-19. Review status: criteria provided, single submitter. Criteria: Invitae Variant Classification Sherloc (09022015). Collection method: clinical testing. Allele origin: germline.

GeneDx
Classification: Benign. Last evaluated: 2018-05-01. Review status: criteria provided, single submitter. Criteria: GeneDx Variant Classification (06012015). Collection method: clinical testing. Allele origin: germline. Affected: yes.
Comment: This variant is considered likely benign or benign based on one or more of the following criteria: it is a conservative change, it occurs at a poorly conserved position in the protein, it is predicted to be benign by multiple in silico algorithms, and/or has population frequency not consistent with disease.

Breakthrough Genomics
Classification: Benign. Review status: criteria provided, single submitter. Criteria: ACMG Guidelines, 2015. Collection method: not provided. Allele origin: germline. Inheritance: Unknown mechanism. Affected: yes.

PreventionGenetics, part of Exact Sciences
Classification: Benign. Review status: criteria provided, single submitter. Criteria: ACMG Guidelines, 2015. Collection method: clinical testing. Allele origin: germline.

NM_001886.3(CRYBA4):c.300+3A>G

Gene: CRYBA4 (crystallin beta A4; plus strand). Cytogenetic location: 22q12.1.
Variant type: single nucleotide variant.
Coding change: c.300+3A>G on transcript NM_001886.3 (MANE Select); 3 bases into the intron after coding-DNA position 300, A replaced by G.
Molecular consequence: intron variant.
Genome position (GRCh38, 1-based): chr22:26,625,625, A>G. VCF-style: chr22-26625625-A-G. GRCh37 (hg19) VCF-style: chr22-27021589-A-G.
Identifiers: ClinVar variation 258488 (VCV000258488.12), dbSNP rs56117601, ClinGen allele CA10165763.